The following is an entry in ClinVar:

NM_001174089.2(SLC4A11):c.2192+1G>T

Gene: SLC4A11 (solute carrier family 4 member 11; minus strand). Cytogenetic location: 20p13.
Variant type: single nucleotide variant.
Coding change: c.2192+1G>T on transcript NM_001174089.2 (MANE Select); the canonical splice donor site of the intron after coding-DNA position 2192, G replaced by T.
Molecular consequence: splice donor variant.
Genome position (GRCh38, 1-based): chr20:3,228,837, C>A on the plus strand (G>T on the coding strand, the complement: SLC4A11 is on the minus strand). VCF-style: chr20-3228837-C-A. GRCh37 (hg19) VCF-style: chr20-3209483-C-A.
Other names: c.2135+1G>T (NM_001400277.1, NM_001400278.1, NM_001400279.1); c.2078+1G>T (NM_001363745.2); c.2207+1G>T (NM_001400280.1); c.2321+1G>T (NM_001174090.2); c.2240+1G>T (NM_032034.4).
Identifiers: ClinVar variation 4735438 (VCV004735438.1).

ClinVar aggregate classification (germline): Pathogenic (1 of 4 stars; one submission).

gnomAD v4.1: 1 of 1,613,782 alleles (0.000062%); no homozygotes.

Submission:

Labcorp Genetics (formerly Invitae), Labcorp
Classification: Pathogenic. Last evaluated: 2026-01-14. Review status: criteria provided, single submitter. Criteria: Invitae Variant Classification Sherloc (09022015). Collection method: clinical testing. Allele origin: germline.
Comment: This sequence change affects a donor splice site in intron 16 of the SLC4A11 gene. It is expected to disrupt RNA splicing. Variants that disrupt the donor or acceptor splice site typically lead to a loss of protein function (PMID: 16199547), and loss-of-function variants in SLC4A11 are known to be pathogenic (PMID: 17220209, 17679935). This variant is not present in population databases (gnomAD no frequency). Disruption of this splice site has been observed in individual(s) with congenital hereditary endothelial dystrophy (PMID: 17397048, 21203343, 31323090). In at least one individual the data is consistent with being in trans (on the opposite chromosome) from a pathogenic variant. Algorithms developed to predict the effect of sequence changes on RNA splicing suggest that this variant may disrupt the consensus splice site. For these reasons, this variant has been classified as Pathogenic.

Literature cited by the submitters: PubMed 16199547; PubMed 17220209; PubMed 17679935; PubMed 17397048; PubMed 21203343; PubMed 31323090.